The following is an entry in ClinVar:

NM_015559.3(SETBP1):c.3370G>T (p.Gly1124Cys)

Gene: SETBP1 (SET binding protein 1; plus strand). Cytogenetic location: 18q12.3.
Variant type: single nucleotide variant.
Coding change: c.3370G>T on transcript NM_015559.3 (MANE Select); coding-DNA position 3370, G replaced by T.
Protein change: p.Gly1124Cys; replaces glycine 1124 with cysteine.
Molecular consequence: missense variant.
Genome position (GRCh38, 1-based): chr18:44,952,710, G>T. VCF-style: chr18-44952710-G-T. GRCh37 (hg19) VCF-style: chr18-42532675-G-T.
Other names: c.3370G>T, p.Gly1124Cys (NM_001379141.1, NM_001379142.1, NM_001410862.1); short protein forms G1124C.
Identifiers: ClinVar variation 3655848 (VCV003655848.2).
Genomic context (GRCh38, chr18:44,952,710, plus strand): 5'-TCCGGTGCAGCTAAGCATAAAGCCAAGCATGGAGTACACCTGCAGGGACCTGTTAGCATG[G>T]GCCTTGGTGACATGCAGCCTTCTCTGAACCCTCCCAAGGTAGGCAGTGCCAGTCTGTCCA-3'
Protein context (NP_056374.2, residues 1114-1134): GVHLQGPVSM[Gly1124Cys]LGDMQPSLNP

ClinVar aggregate classification (germline): Uncertain significance (1 of 4 stars; one submission).

Submission:

Labcorp Genetics (formerly Invitae), Labcorp
Classification: Uncertain significance. Last evaluated: 2024-06-07. Review status: criteria provided, single submitter. Criteria: Invitae Variant Classification Sherloc (09022015). Collection method: clinical testing. Allele origin: germline.
Comment: This sequence change replaces glycine, which is neutral and non-polar, with cysteine, which is neutral and slightly polar, at codon 1124 of the SETBP1 protein (p.Gly1124Cys). This variant is not present in population databases (gnomAD no frequency). This variant has not been reported in the literature in individuals affected with SETBP1-related conditions. Advanced modeling of protein sequence and biophysical properties (such as structural, functional, and spatial information, amino acid conservation, physicochemical variation, residue mobility, and thermodynamic stability) has been performed at Invitae for this missense variant, however the output from this modeling did not meet the statistical confidence thresholds required to predict the impact of this variant on SETBP1 protein function. In summary, the available evidence is currently insufficient to determine the role of this variant in disease. Therefore, it has been classified as a Variant of Uncertain Significance.